The following is an entry in ClinVar:

NM_000553.6(WRN):c.3773C>T (p.Ser1258Phe)

Gene: WRN (WRN RecQ like helicase; plus strand). Cytogenetic location: 8p12.
Variant type: single nucleotide variant.
Coding change: c.3773C>T on transcript NM_000553.6 (MANE Select); coding-DNA position 3773, C replaced by T.
Protein change: p.Ser1258Phe; replaces serine 1258 with phenylalanine.
Molecular consequence: missense variant.
Genome position (GRCh38, 1-based): chr8:31,154,709, C>T. VCF-style: chr8-31154709-C-T. GRCh37 (hg19) VCF-style: chr8-31012225-C-T.
Other names: short protein forms S1258F.
Identifiers: ClinVar variation 942691 (VCV000942691.6), dbSNP rs1454700100, ClinGen allele CA370929156.

ClinVar aggregate classification (germline): Uncertain significance (1 of 4 stars; one submission).

Conditions:
Werner syndrome (WRN). Identifiers: Orphanet 902, MedGen C0043119, MONDO:0010196, OMIM 277700.

Allele frequency attached by ClinVar (database versions not stated): gnomAD 0.00001; TOPMed 0.00001.
gnomAD v4.1: 2 of 1,613,486 alleles (0.00012%); highest among the groups gnomAD compares: African/African-American, 0.0027%; no homozygotes.

Submission:

Labcorp Genetics (formerly Invitae), Labcorp
Classification: Uncertain significance for Werner syndrome. Last evaluated: 2024-09-22. Review status: criteria provided, single submitter. Criteria: Invitae Variant Classification Sherloc (09022015). Collection method: clinical testing. Allele origin: germline.
Comment: This sequence change replaces serine, which is neutral and polar, with phenylalanine, which is neutral and non-polar, at codon 1258 of the WRN protein (p.Ser1258Phe). This variant is present in population databases (no rsID available, gnomAD 0.007%). This variant has not been reported in the literature in individuals affected with WRN-related conditions. ClinVar contains an entry for this variant (Variation ID: 942691). An algorithm developed to predict the effect of missense changes on protein structure and function (PolyPhen-2) suggests that this variant is likely to be disruptive. In summary, the available evidence is currently insufficient to determine the role of this variant in disease. Therefore, it has been classified as a Variant of Uncertain Significance.